The following is an entry in ClinVar:

NM_032444.4(SLX4):c.2047G>A (p.Ala683Thr)

Gene: SLX4 (SLX4 structure-specific endonuclease subunit; minus strand). Cytogenetic location: 16p13.3.
Variant type: single nucleotide variant.
Coding change: c.2047G>A on transcript NM_032444.4 (MANE Select); coding-DNA position 2047, G replaced by A.
Protein change: p.Ala683Thr; replaces alanine 683 with threonine.
Molecular consequence: missense variant.
Genome position (GRCh38, 1-based): chr16:3,594,566, C>T on the plus strand (G>A on the coding strand, the complement: SLX4 is on the minus strand). VCF-style: chr16-3594566-C-T. GRCh37 (hg19) VCF-style: chr16-3644567-C-T.
Other names: c.2047G>A (NM_032444.3, LRG_503t1); short protein forms A683T.
Identifiers: ClinVar variation 414725 (VCV000414725.24), dbSNP rs115866745, ClinGen allele CA7866305.

ClinVar aggregate classification (germline): Conflicting classifications of pathogenicity. Review status: criteria provided, conflicting classifications (1 of 4 stars). 9 submissions from 9 submitters: Uncertain significance (3); Likely benign (5). 1 of the submissions does not count toward it. Last evaluated 2026-08-06.

Conditions:
Monogenic short statue.
SLX4-related disorder. Also called: SLX4-related condition.
Fanconi anemia complementation group P. Also called: SLX4-Related Fanconi Anemia. Identifiers: Orphanet 84, MedGen C3469542, MONDO:0013499, OMIM 613951.
Fanconi anemia (FA). Also called: Fanconi's anemia. Identifiers: Orphanet 84, MedGen C0015625, MeSH D005199, MONDO:0019391.

Allele frequency attached by ClinVar (database versions not stated): gnomAD exomes 0.00007 and 0.00022; ExAC 0.00026; 1000 Genomes Project 0.00060; gnomAD 0.00088 and 0.00092; ESP Exome Variant Server 0.00092; TOPMed 0.00115.
gnomAD v4.1: 239 of 1,614,056 alleles (0.015%); highest among the groups gnomAD compares: African/African-American, 0.24%; 1 homozygote.

Submissions (9):

NHS Central & South Genomic Laboratory Hub
Classification: Uncertain significance for Monogenic short statue. Last evaluated: 2026-08-06. Review status: criteria provided, single submitter. Criteria: ACMG Guidelines, 2015. Collection method: clinical testing. Allele origin: germline. Affected: yes.

Labcorp Genetics (formerly Invitae), Labcorp
Classification: Likely benign for Fanconi anemia. Last evaluated: 2026-01-02. Review status: criteria provided, single submitter. Criteria: Invitae Variant Classification Sherloc (09022015). Collection method: clinical testing. Allele origin: germline.

Women's Health and Genetics/Laboratory Corporation of America, LabCorp
Classification: Likely benign. Last evaluated: 2025-11-20. Review status: criteria provided, single submitter. Criteria: LabCorp Variant Classification Summary - May 2015. Collection method: clinical testing. Allele origin: germline.
Comment: Variant summary: SLX4 c.2047G>A (p.Ala683Thr) results in a non-conservative amino acid change in the encoded protein sequence. Algorithms developed to predict the effect of missense changes on protein structure and function are either unavailable or do not agree on the potential impact of this missense change. The variant allele was found at a frequency of 0.00022 in 251298 control chromosomes, predominantly at a frequency of 0.0025 within the African or African-American subpopulation in the gnomAD database, including 1 homozygotes. The observed variant frequency within African or African-American control individuals in the gnomAD database exceeds the estimated maximal expected allele frequency for disease-causing variants in SLX4. To our knowledge, no occurrence of c.2047G>A in individuals affected with SLX4-related conditions and no experimental evidence demonstrating its impact on protein function have been reported. ClinVar contains an entry for this variant (Variation ID: 414725). Based on the evidence outlined above, the variant was classified as likely benign.

GeneDx
Classification: Uncertain significance. Last evaluated: 2025-09-27. Review status: criteria provided, single submitter. Criteria: GeneDx Variant Classification Process June 2021. Collection method: clinical testing. Allele origin: germline. Affected: yes.
Comment: In silico analysis suggests that this missense variant does not alter protein structure/function; Has not been previously published as pathogenic or benign to our knowledge

Blueprint Genetics
Classification: Likely benign. Last evaluated: 2024-11-13. Review status: criteria provided, single submitter. Criteria: ACMG Guidelines, 2015. Collection method: clinical testing. Allele origin: germline.

ARUP Laboratories, Molecular Genetics and Genomics, ARUP Laboratories
Classification: Likely benign for Fanconi anemia complementation group P. Last evaluated: 2024-06-12. Review status: criteria provided, single submitter. Criteria: ARUP Molecular Germline Variant Investigation Process 2024. Collection method: clinical testing. Allele origin: germline.

Sema4
Classification: Likely benign for Fanconi anemia. Last evaluated: 2021-12-21. Review status: criteria provided, single submitter. Criteria: Sema4 Curation Guidelines. Collection method: curation. Allele origin: germline.

Genetic Services Laboratory, University of Chicago
Classification: Uncertain significance. Last evaluated: 2018-03-06. Review status: criteria provided, single submitter. Criteria: ACMG Guidelines, 2015. Collection method: clinical testing. Allele origin: germline. Affected: no.

PreventionGenetics, part of Exact Sciences
Classification: Likely benign for SLX4-related condition. Last evaluated: 2024-05-30. Review status: no assertion criteria provided. Collection method: clinical testing. Allele origin: germline. Not counted in ClinVar's aggregate classification.
Comment: This variant is classified as likely benign based on ACMG/AMP sequence variant interpretation guidelines (Richards et al. 2015 PMID: 25741868, with internal and published modifications).